The following is an entry in ClinVar:

ClinVar aggregate classification (germline): Conflicting classifications of pathogenicity. Review status: criteria provided, conflicting classifications (1 of 4 stars). 2 submissions from 2 submitters: Uncertain significance (1); Likely benign (1). Last evaluated 2025-12-10.

Conditions:
Pulmonary fibrosis and/or bone marrow failure, Telomere-related, 3. Also called: PULMONARY FIBROSIS AND/OR BONE MARROW FAILURE SYNDROME, TELOMERE-RELATED, 3. Identifiers: Orphanet 2032, MedGen C4225346, MONDO:0014613, OMIM 616373.
Dyskeratosis congenita, autosomal recessive 5 (DKCB5). Identifiers: MedGen C3554656, MONDO:0014076, OMIM 615190.
Inborn genetic diseases. Identifiers: MedGen C0950123, MeSH D030342.

Submissions (2):

Labcorp Genetics (formerly Invitae), Labcorp
Classification: Uncertain significance for Dyskeratosis congenita, autosomal recessive 5; Pulmonary fibrosis and/or bone marrow failure, Telomere-related, 3. Last evaluated: 2025-12-10. Review status: criteria provided, single submitter. Criteria: Invitae Variant Classification Sherloc (09022015). Collection method: clinical testing. Allele origin: germline.
Comment: This sequence change replaces isoleucine, which is neutral and non-polar, with valine, which is neutral and non-polar, at codon 558 of the RTEL1 protein (p.Ile558Val). This variant is not present in population databases (gnomAD no frequency). This variant has not been reported in the literature in individuals affected with RTEL1-related conditions. ClinVar contains an entry for this variant (Variation ID: 3435947). An algorithm developed to predict the effect of missense changes on protein structure and function outputs the following: PolyPhen-2: "Benign". The valine amino acid residue is found in multiple mammalian species, which suggests that this missense change does not adversely affect protein function. In summary, the available evidence is currently insufficient to determine the role of this variant in disease. Therefore, it has been classified as a Variant of Uncertain Significance.

Ambry Genetics
Classification: Likely benign for Inborn genetic diseases. Last evaluated: 2024-11-21. Review status: criteria provided, single submitter. Criteria: Ambry Variant Classification Scheme 2023. Collection method: clinical testing. Allele origin: germline.

NM_001283009.2(RTEL1):c.1672A>G (p.Ile558Val)

Genes: RTEL1 (regulator of telomere elongation helicase 1; plus strand), RTEL1-TNFRSF6B (RTEL1-TNFRSF6B readthrough (NMD candidate); plus strand). Cytogenetic location: 20q13.33.
Variant type: single nucleotide variant.
Coding change: c.1672A>G on transcript NM_001283009.2 (MANE Select); coding-DNA position 1672, A replaced by G.
Protein change: p.Ile558Val; replaces isoleucine 558 with valine.
Molecular consequence: missense variant. On other transcripts: non-coding transcript variant (1).
Genome position (GRCh38, 1-based): chr20:63,688,336, A>G. VCF-style: chr20-63688336-A-G. GRCh37 (hg19) VCF-style: chr20-62319689-A-G.
Other names: c.1003A>G, p.Ile335Val (NM_001283010.1); c.1672A>G, p.Ile558Val (NM_016434.4); c.1744A>G, p.Ile582Val (NM_032957.5); short protein forms I558V, I582V, I335V.
Identifiers: ClinVar variation 3435947 (VCV003435947.3).